The following is an entry in ClinVar:

ClinVar aggregate classification (germline): Benign (1 of 4 stars; one submission).

Conditions:
Familial cancer of breast. Also called: hereditary breast carcinoma; BREAST CANCER, FAMILIAL; Hereditary breast cancer. Identifiers: Orphanet 227535, MedGen C0346153, MONDO:0016419, OMIM 114480. Disease mechanism: loss of function.

Submission:

Myriad Genetics, Inc.
Classification: Benign for Familial cancer of breast. Last evaluated: 2024-06-13. Review status: criteria provided, single submitter. Criteria: Myriad Autosomal Dominant, Autosomal Recessive and X-Linked Classification Criteria (2023). Collection method: clinical testing. Allele origin: unknown.
Comment: This variant is considered benign. This variant is a silent/synonymous amino acid change and it is not expected to impact splicing.

NM_000051.4(ATM):c.7353C>A (p.Ala2451=)

Genes: ATM (ATM serine/threonine kinase; plus strand), C11orf65 (chromosome 11 open reading frame 65; minus strand). Cytogenetic location: 11q22.3.
Variant type: single nucleotide variant.
Coding change: c.7353C>A on transcript NM_000051.4 (MANE Select); coding-DNA position 7353, C replaced by A.
Protein change: p.Ala2451=; no amino-acid change (alanine 2451 retained).
Molecular consequence: synonymous variant. On other transcripts: intron variant (2).
Genome position (GRCh38, 1-based): chr11:108,330,259, C>A. VCF-style: chr11-108330259-C-A. GRCh37 (hg19) VCF-style: chr11-108200986-C-A.
Other names: c.7353C>A, p.Ala2451= (NM_001351834.2); c.641-21188G>T (NM_001330368.2); c.*38+4961G>T (NM_001351110.2).
Identifiers: ClinVar variation 3253949 (VCV003253949.1), dbSNP rs1591160115.